The following is an entry in ClinVar:

NM_003850.3(SUCLA2):c.802+2968A>T

Gene: SUCLA2 (succinate-CoA ligase ADP-forming subunit beta; minus strand). Cytogenetic location: 13q14.2.
Variant type: single nucleotide variant.
Coding change: c.802+2968A>T on transcript NM_003850.3 (MANE Select); 2968 bases into the intron after coding-DNA position 802, A replaced by T.
Molecular consequence: intron variant.
Genome position (GRCh38, 1-based): chr13:47,965,627, T>A on the plus strand (A>T on the coding strand, the complement: SUCLA2 is on the minus strand). VCF-style: chr13-47965627-T-A. GRCh37 (hg19) VCF-style: chr13-48539762-T-A.
Identifiers: ClinVar variation 1335131 (VCV001335131.35), dbSNP rs527673866, ClinGen allele CA249265212.

ClinVar aggregate classification (germline): Likely benign (1 of 4 stars; one submission).

Allele frequency attached by ClinVar (database versions not stated): 1000 Genomes Project 0.00080; 1000 Genomes Project 30x 0.00125; gnomAD 0.00214 and 0.00223; TOPMed 0.00249; gnomAD exomes 0.00347.
gnomAD v4.1: 1,181 of 398,382 alleles (0.3%); highest among the groups gnomAD compares: Non-Finnish European, 0.45%; 2 homozygotes.

Submission:

CeGaT Center for Human Genetics Tuebingen
Classification: Likely benign. Last evaluated: 2026-08-01. Review status: criteria provided, single submitter. Criteria: CeGaT Center For Human Genetics Tuebingen Variant Classification Criteria Version 2. Collection method: clinical testing. Allele origin: germline. Affected: yes. Observed: 23 variant alleles.
Comment: SUCLA2: BP4, BP7